The following is an entry in ClinVar:

ClinVar aggregate classification (germline): Conflicting classifications of pathogenicity. Review status: criteria provided, conflicting classifications (1 of 4 stars). 5 submissions from 5 submitters: Uncertain significance (1); Likely benign (4). Last evaluated 2026-01-04.

Conditions:
Hereditary cancer-predisposing syndrome. Also called: Tumor predisposition; Hereditary Cancer Syndrome; Hereditary neoplastic syndrome; Neoplastic Syndromes, Hereditary. Identifiers: Orphanet 140162, MedGen C0027672, MeSH D009386, MONDO:0015356.
Hereditary breast ovarian cancer syndrome. Also called: Breast and ovarian cancer; BRCA1- and BRCA2-Associated Hereditary Breast and Ovarian Cancer; Hereditary breast and ovarian cancer; Hereditary breast and ovarian cancer syndrome (HBOC); Hereditary breast and ovarian cancer syndrome; Hereditary breast and/or ovarian cancer syndrome. Identifiers: Orphanet 145, MedGen C0677776, MeSH D061325, MONDO:0003582. Disease mechanism: loss of function.

Allele frequency attached by ClinVar (database versions not stated): gnomAD exomes below 0.00001.
gnomAD v4.1: 1 of 1,607,650 alleles (0.000062%); highest among the groups gnomAD compares: South Asian, 0.0011%; no homozygotes.

Submissions (5):

Labcorp Genetics (formerly Invitae), Labcorp
Classification: Likely benign for Hereditary breast ovarian cancer syndrome. Last evaluated: 2026-01-04. Review status: criteria provided, single submitter. Criteria: Invitae Variant Classification Sherloc (09022015). Collection method: clinical testing. Allele origin: germline.

Women's Health and Genetics/Laboratory Corporation of America, LabCorp
Classification: Likely benign. Last evaluated: 2024-12-18. Review status: criteria provided, single submitter. Criteria: LabCorp Variant Classification Summary - May 2015. Collection method: clinical testing. Allele origin: germline.
Comment: Variant summary: BRCA2 c.8954-13T>C alters a conserved nucleotide located at a position not widely known to affect splicing. Consensus agreement among computation tools predict no significant impact on normal splicing. However, these predictions have yet to be confirmed by functional studies. The variant was absent in 250472 control chromosomes. The available data on variant occurrences in the general population are insufficient to allow any conclusion about variant significance. c.8954-13T>C has been reported in the literature in individuals affected with Hereditary Breast And Ovarian Cancer Syndrome, without strong evidence for causality (John_2024). These report(s) do not provide unequivocal conclusions about association of the variant with Hereditary Breast And Ovarian Cancer Syndrome. To our knowledge, no experimental evidence demonstrating an impact on protein function has been reported. The following publication has been ascertained in the context of this evaluation (PMID: 38538877). ClinVar contains an entry for this variant (Variation ID: 420962). Based on the evidence outlined above, the variant was classified as likely benign.

Blueprint Genetics
Classification: Likely benign. Last evaluated: 2024-09-06. Review status: criteria provided, single submitter. Criteria: ACMG Guidelines, 2015. Collection method: clinical testing. Allele origin: germline.

Color Diagnostics, LLC DBA Color Health
Classification: Likely benign for Hereditary cancer-predisposing syndrome. Last evaluated: 2020-07-22. Review status: criteria provided, single submitter. Criteria: ACMG Guidelines, 2015. Collection method: clinical testing. Allele origin: germline.

GeneDx
Classification: Uncertain significance. Last evaluated: 2016-04-21. Review status: criteria provided, single submitter. Criteria: GeneDx Variant Classification (06012015). Collection method: clinical testing. Allele origin: germline. Affected: yes.
Comment: This variant is denoted BRCA2 c.8954-13T>C or IVS22-13T>C and consists of a T>C nucleotide substitution at the -13 position of intron 22 of the BRCA2 gene. Using alternate nomenclature, this variant would be defined as BRCA2 9182-13T>C. Although one model is uninformative, at least one in silico model predicts this variant to damage the nearby natural acceptor site and to possibly cause abnormal gene splicing. However, in the absence of RNA or functional studies, the actual effect of this variant is unknown. This variant has not, to our knowledge, been published in the literature as pathogenic or benign. BRCA2 c.8954-13T>C was not observed in approximately 6,500 individuals of European and African American ancestry in the NHLBI Exome Sequencing Project, suggesting it is not a common benign variant in these populations. The thymine (T) nucleotide that is altered is not conserved across species. Based on currently available information, it is unclear whether BRCA2 c.8954-13T>C is pathogenic or benign. We consider it to be a variant of uncertain significance.

Literature cited by the submitters: PubMed 38538877 (cited by Women's Health and Genetics/Laboratory Corporation of America, LabCorp).

NM_000059.4(BRCA2):c.8954-13T>C

Gene: BRCA2 (BRCA2 DNA repair associated; plus strand). Cytogenetic location: 13q13.1.
Variant type: single nucleotide variant.
Coding change: c.8954-13T>C on transcript NM_000059.4 (MANE Select); 13 bases into the intron before coding-DNA position 8954, T replaced by C.
Molecular consequence: intron variant.
Genome position (GRCh38, 1-based): chr13:32,379,737, T>C. VCF-style: chr13-32379737-T-C. GRCh37 (hg19) VCF-style: chr13-32953874-T-C.
Identifiers: ClinVar variation 420962 (VCV000420962.17), dbSNP rs398122717, ClinGen allele CA16619786.